The following is an entry in ClinVar:

ClinVar aggregate classification (germline): Uncertain significance. Review status: criteria provided, single submitter (1 of 4 stars). 2 submissions from 2 submitters: Uncertain significance (1). 1 of the submissions does not count toward it. Last evaluated 2023-07-29.

Conditions:
EGFR-related lung cancer (EGFR). Identifiers: MedGen CN130014.

Submissions (2):

Labcorp Genetics (formerly Invitae), Labcorp
Classification: Uncertain significance for EGFR-related lung cancer. Last evaluated: 2023-07-29. Review status: criteria provided, single submitter. Criteria: Invitae Variant Classification Sherloc (09022015). Collection method: clinical testing. Allele origin: germline.
Comment: ClinVar contains an entry for this variant (Variation ID: 45293). In summary, the available evidence is currently insufficient to determine the role of this variant in disease. Therefore, it has been classified as a Variant of Uncertain Significance. Advanced modeling of protein sequence and biophysical properties (such as structural, functional, and spatial information, amino acid conservation, physicochemical variation, residue mobility, and thermodynamic stability) performed at Invitae indicates that this missense variant is expected to disrupt EGFR protein function. This variant has not been reported in the literature in individuals affected with EGFR-related conditions. This variant is not present in population databases (gnomAD no frequency). This sequence change replaces methionine, which is neutral and non-polar, with threonine, which is neutral and polar, at codon 881 of the EGFR protein (p.Met881Thr).

Laboratory for Molecular Medicine, Mass General Brigham Personalized Medicine
Classification: Uncertain significance. Last evaluated: 2006-11-21. Review status: no assertion criteria provided. Collection method: clinical testing. Allele origin: somatic. Observed: 1 variant allele. Not counted in ClinVar's aggregate classification.

NM_005228.5(EGFR):c.2642T>C (p.Met881Thr)

Gene: EGFR (epidermal growth factor receptor; plus strand). Cytogenetic location: 7p11.2.
Variant type: single nucleotide variant.
Coding change: c.2642T>C on transcript NM_005228.5 (MANE Select); coding-DNA position 2642, T replaced by C.
Protein change: p.Met881Thr; replaces methionine 881 with threonine.
Molecular consequence: missense variant.
Genome position (GRCh38, 1-based): chr7:55,192,782, T>C. VCF-style: chr7-55192782-T-C. GRCh37 (hg19) VCF-style: chr7-55260475-T-C.
Other names: c.2507T>C, p.Met836Thr (NM_001346897.2, NM_001346899.2); c.2642T>C, p.Met881Thr (NM_001346898.2); c.2483T>C, p.Met828Thr (NM_001346900.2); c.1841T>C, p.Met614Thr (NM_001346941.2); short protein forms M881T, M614T, M836T, M828T.
Identifiers: ClinVar variation 45293 (VCV000045293.7), dbSNP rs397517136, ClinGen allele CA135956.
Genomic context (GRCh38, chr7:55,192,782, plus strand): 5'-GAAACTAATAGTTGTCTCACTGCCTCATCTCTCACCATCCCAAGGTGCCTATCAAGTGGA[T>C]GGCATTGGAATCAATTTTACACAGAATCTATACCCACCAGAGTGATGTCTGGAGCTACGG-3'
Protein context (NP_005219.2, residues 871-891): AEGGKVPIKW[Met881Thr]ALESILHRIY